The following is an entry in ClinVar:

NM_001001557.4(GDF6):c.870C>G (p.Phe290Leu)

Gene: GDF6 (growth differentiation factor 6; minus strand). Cytogenetic location: 8q22.1.
Variant type: single nucleotide variant.
Coding change: c.870C>G on transcript NM_001001557.4 (MANE Select); coding-DNA position 870, C replaced by G.
Protein change: p.Phe290Leu; replaces phenylalanine 290 with leucine.
Molecular consequence: missense variant.
Genome position (GRCh38, 1-based): chr8:96,145,061, G>C on the plus strand (C>G on the coding strand, the complement: GDF6 is on the minus strand). VCF-style: chr8-96145061-G-C. GRCh37 (hg19) VCF-style: chr8-97157289-G-C.
Other names: short protein forms F290L.
Identifiers: ClinVar variation 3393552 (VCV003393552.1).

ClinVar aggregate classification (germline): Uncertain significance (1 of 4 stars; one submission).

Submission:

GeneDx
Classification: Uncertain significance. Last evaluated: 2024-07-02. Review status: criteria provided, single submitter. Criteria: GeneDx Variant Classification Process June 2021. Collection method: clinical testing. Allele origin: germline. Affected: yes.
Comment: In silico analysis supports that this missense variant has a deleterious effect on protein structure/function; Has not been previously published as pathogenic or benign to our knowledge